The following is an entry in ClinVar:

NM_004525.3(LRP2):c.1639A>C (p.Asn547His)

Gene: LRP2 (LDL receptor related protein 2; minus strand). Cytogenetic location: 2q31.1.
Variant type: single nucleotide variant.
Coding change: c.1639A>C on transcript NM_004525.3 (MANE Select); coding-DNA position 1639, A replaced by C.
Protein change: p.Asn547His; replaces asparagine 547 with histidine.
Molecular consequence: missense variant.
Genome position (GRCh38, 1-based): chr2:169,277,878, T>G on the plus strand (A>C on the coding strand, the complement: LRP2 is on the minus strand). VCF-style: chr2-169277878-T-G. GRCh37 (hg19) VCF-style: chr2-170134388-T-G.
Other names: short protein forms N547H.
Identifiers: ClinVar variation 2119670 (VCV002119670.4), dbSNP rs145094511, ClinGen allele CA349145937.

ClinVar aggregate classification (germline): Uncertain significance (1 of 4 stars; one submission).

Submission:

Labcorp Genetics (formerly Invitae), Labcorp
Classification: Uncertain significance. Last evaluated: 2022-04-12. Review status: criteria provided, single submitter. Criteria: Invitae Variant Classification Sherloc (09022015). Collection method: clinical testing. Allele origin: germline.
Comment: In summary, the available evidence is currently insufficient to determine the role of this variant in disease. Therefore, it has been classified as a Variant of Uncertain Significance. Advanced modeling of protein sequence and biophysical properties (such as structural, functional, and spatial information, amino acid conservation, physicochemical variation, residue mobility, and thermodynamic stability) performed at Invitae indicates that this missense variant is expected to disrupt LRP2 protein function. This variant has not been reported in the literature in individuals affected with LRP2-related conditions. This variant is not present in population databases (gnomAD no frequency). This sequence change replaces asparagine, which is neutral and polar, with histidine, which is basic and polar, at codon 547 of the LRP2 protein (p.Asn547His).